The following is an entry in ClinVar:

NM_000158.4(GBE1):c.1720C>T (p.Leu574Phe)

Gene: GBE1 (1,4-alpha-glucan branching enzyme 1; minus strand). Cytogenetic location: 3p12.2.
Variant type: single nucleotide variant.
Coding change: c.1720C>T on transcript NM_000158.4 (MANE Select); coding-DNA position 1720, C replaced by T.
Protein change: p.Leu574Phe; replaces leucine 574 with phenylalanine.
Molecular consequence: missense variant.
Genome position (GRCh38, 1-based): chr3:81,536,994, G>A on the plus strand (C>T on the coding strand, the complement: GBE1 is on the minus strand). VCF-style: chr3-81536994-G-A. GRCh37 (hg19) VCF-style: chr3-81586145-G-A.
Other names: short protein forms L574F.
Identifiers: ClinVar variation 1370189 (VCV001370189.8), dbSNP rs2106872197, ClinGen allele CA353686469.

ClinVar aggregate classification (germline): Uncertain significance (1 of 4 stars; one submission).

Conditions:
Glycogen storage disease, type IV (GSD4). Also called: AMYLOPECTINOSIS; ANDERSEN DISEASE; BRANCHER DEFICIENCY; CIRRHOSIS, FAMILIAL, WITH DEPOSITION OF ABNORMAL GLYCOGEN; GBE1 DEFICIENCY; GLYCOGEN BRANCHING ENZYME DEFICIENCY. Identifiers: Orphanet 367, MedGen C0017923, MONDO:0009292, OMIM 232500.
Glycogen storage disease IV, classic hepatic. Also called: GSD IV, CLASSIC HEPATIC. Identifiers: MedGen C1856301.

Submission:

Labcorp Genetics (formerly Invitae), Labcorp
Classification: Uncertain significance for Glycogen storage disease, type IV; Glycogen storage disease IV, classic hepatic. Last evaluated: 2025-05-12. Review status: criteria provided, single submitter. Criteria: Invitae Variant Classification Sherloc (09022015). Collection method: clinical testing. Allele origin: germline.
Comment: This sequence change replaces leucine, which is neutral and non-polar, with phenylalanine, which is neutral and non-polar, at codon 574 of the GBE1 protein (p.Leu574Phe). This variant is not present in population databases (gnomAD no frequency). This variant has not been reported in the literature in individuals affected with GBE1-related conditions. ClinVar contains an entry for this variant (Variation ID: 1370189). Invitae Evidence Modeling of protein sequence and biophysical properties (such as structural, functional, and spatial information, amino acid conservation, physicochemical variation, residue mobility, and thermodynamic stability) indicates that this missense variant is not expected to disrupt GBE1 protein function with a negative predictive value of 95%. In summary, the available evidence is currently insufficient to determine the role of this variant in disease. Therefore, it has been classified as a Variant of Uncertain Significance.